The following is an entry in ClinVar:

NM_182961.4(SYNE1):c.1861A>G (p.Thr621Ala)

Gene: SYNE1 (spectrin repeat containing nuclear envelope protein 1; minus strand). Cytogenetic location: 6q25.2.
Variant type: single nucleotide variant.
Coding change: c.1861A>G on transcript NM_182961.4 (MANE Select); coding-DNA position 1861, A replaced by G.
Protein change: p.Thr621Ala; replaces threonine 621 with alanine.
Molecular consequence: missense variant.
Genome position (GRCh38, 1-based): chr6:152,465,329, T>C on the plus strand (A>G on the coding strand, the complement: SYNE1 is on the minus strand). VCF-style: chr6-152465329-T-C. GRCh37 (hg19) VCF-style: chr6-152786464-T-C.
Other names: c.1882A>G, p.Thr628Ala (NM_033071.5); short protein forms T621A, T628A.
Identifiers: ClinVar variation 538395 (VCV000538395.10), dbSNP rs146618884, ClinGen allele CA4059290.

ClinVar aggregate classification (germline): Uncertain significance (1 of 4 stars; one submission).

Conditions:
Autosomal recessive ataxia, Beauce type. Also called: SYNE1-Related Autosomal Recessive Cerebellar Ataxia; Spinocerebellar ataxia, autosomal recessive 8; ATAXIA, RECESSIVE, OF BEAUCE; SYNE1 Deficiency. Identifiers: Orphanet 88644, MedGen C1853116, MONDO:0012549, OMIM 610743.
Emery-Dreifuss muscular dystrophy 4, autosomal dominant (EDMD4). Also called: EMERY-DREIFUSS MUSCULAR DYSTROPHY 4 WITH VARIABLE FEATURES. Identifiers: Orphanet 261, MedGen C2751807, MONDO:0013071, OMIM 612998.

Allele frequency attached by ClinVar (database versions not stated): gnomAD exomes below 0.00001 and 0.00001; ExAC 0.00002; TOPMed 0.00002; gnomAD 0.00003 and 0.00004; ESP Exome Variant Server 0.00008.
gnomAD v4.1: 7 of 1,613,784 alleles (0.00043%); highest among the groups gnomAD compares: African/African-American, 0.0067%; no homozygotes.

Submission:

Labcorp Genetics (formerly Invitae), Labcorp
Classification: Uncertain significance for Emery-Dreifuss muscular dystrophy 4, autosomal dominant; Autosomal recessive ataxia, Beauce type. Last evaluated: 2022-07-26. Review status: criteria provided, single submitter. Criteria: Invitae Variant Classification Sherloc (09022015). Collection method: clinical testing. Allele origin: germline.
Comment: In summary, the available evidence is currently insufficient to determine the role of this variant in disease. Therefore, it has been classified as a Variant of Uncertain Significance. Algorithms developed to predict the effect of missense changes on protein structure and function are either unavailable or do not agree on the potential impact of this missense change (SIFT: "Tolerated"; PolyPhen-2: "Possibly Damaging"; Align-GVGD: "Class C0"). ClinVar contains an entry for this variant (Variation ID: 538395). This variant has not been reported in the literature in individuals affected with SYNE1-related conditions. This variant is present in population databases (rs146618884, gnomAD 0.01%). This sequence change replaces threonine, which is neutral and polar, with alanine, which is neutral and non-polar, at codon 628 of the SYNE1 protein (p.Thr628Ala).